The following is an entry in ClinVar:

NM_001134363.3(RBM20):c.1884T>A (p.Tyr628Ter)

Gene: RBM20 (RNA binding motif protein 20; plus strand). Cytogenetic location: 10q25.2.
Variant type: single nucleotide variant.
Coding change: c.1884T>A on transcript NM_001134363.3 (MANE Select); coding-DNA position 1884, T replaced by A.
Protein change: p.Tyr628Ter; replaces tyrosine 628 with a stop codon.
Molecular consequence: nonsense.
Genome position (GRCh38, 1-based): chr10:110,812,281, T>A. VCF-style: chr10-110812281-T-A. GRCh37 (hg19) VCF-style: chr10-112572039-T-A.
Other names: short protein forms Y628*.
Identifiers: ClinVar variation 4763279 (VCV004763279.1).

ClinVar aggregate classification (germline): Pathogenic (1 of 4 stars; one submission).

Conditions:
Dilated cardiomyopathy 1DD (CMD1DD). Identifiers: Orphanet 154, MedGen C2750995, MONDO:0013168, OMIM 613172.

Submission:

Labcorp Genetics (formerly Invitae), Labcorp
Classification: Pathogenic for Dilated cardiomyopathy 1DD. Last evaluated: 2025-11-21. Review status: criteria provided, single submitter. Criteria: Invitae Variant Classification Sherloc (09022015). Collection method: clinical testing. Allele origin: germline.
Comment: This sequence change creates a premature translational stop signal (p.Tyr628*) in the RBM20 gene. It is expected to result in an absent or disrupted protein product. Loss-of-function variants in RBM20 are known to be pathogenic (PMID: 20590677, 22004663, 38288598, 38510713, 40339755). This variant is not present in population databases (gnomAD no frequency). This premature translational stop signal has been observed in individual(s) with dilated cardiomyopathy (PMID: 37461109). Experimental studies and prediction algorithms are not available or were not evaluated, and the functional significance of this variant is currently unknown. For these reasons, this variant has been classified as Pathogenic.

Literature cited by the submitters: PubMed 20590677; PubMed 22004663; PubMed 38288598; PubMed 38510713; PubMed 40339755; PubMed 37461109.